The following is an entry in ClinVar:

NM_001354768.3(NRL):c.450G>C (p.Arg150=)

Gene: NRL (neural retina leucine zipper; minus strand). Cytogenetic location: 14q11.2.
Variant type: single nucleotide variant.
Coding change: c.450G>C on transcript NM_001354768.3 (MANE Select); coding-DNA position 450, G replaced by C.
Protein change: p.Arg150=; no amino-acid change (arginine 150 retained).
Molecular consequence: synonymous variant.
Genome position (GRCh38, 1-based): chr14:24,081,500, C>G on the plus strand (G>C on the coding strand, the complement: NRL is on the minus strand). VCF-style: chr14-24081500-C-G. GRCh37 (hg19) VCF-style: chr14-24550709-C-G.
Other names: c.450G>C (NM_006177.3); c.450G>C, p.Arg150= (NM_001354769.1, NM_006177.5); c.135G>C, p.Arg45= (NM_001354770.2).
Identifiers: ClinVar variation 1166735 (VCV001166735.11), dbSNP rs750578845, ClinGen allele CA7122831.
Genomic context (GRCh38, chr14:24,081,500, plus strand): 5'-GCGGTTCTTCAGCGTGCGGCGCCTCTGCTTCAGCCGCAGCGCCTCGTCGCGCCCGCAGCC[C>G]CGCAGCTGCCGGTTTAGCTCCCGCACAGACATCGAGACCAGCGCCGCGTCGGAAAACCGC-3'
Protein context (NP_001341697.1, residues 140-160): MSVRELNRQL[Arg150=]GCGRDEALRL

ClinVar aggregate classification (germline): Benign/Likely benign. Review status: criteria provided, multiple submitters, no conflicts (2 of 4 stars). 3 submissions from 3 submitters: Benign (1); Likely benign (1). 1 of the submissions does not count toward it. Last evaluated 2026-01-01.

Conditions:
NRL-related disorder. Also called: NRL-related condition.

Allele frequency attached by ClinVar (database versions not stated): gnomAD 0.00002.
gnomAD v4.1: 115 of 1,600,040 alleles (0.0072%); highest among the groups gnomAD compares: East Asian, 0.23%; 1 homozygote.

Submissions (3):

Labcorp Genetics (formerly Invitae), Labcorp
Classification: Benign. Last evaluated: 2026-01-01. Review status: criteria provided, single submitter. Criteria: Invitae Variant Classification Sherloc (09022015). Collection method: clinical testing. Allele origin: germline.

Blueprint Genetics
Classification: Likely benign. Last evaluated: 2024-10-03. Review status: criteria provided, single submitter. Criteria: ACMG Guidelines, 2015. Collection method: clinical testing. Allele origin: germline.

PreventionGenetics, part of Exact Sciences
Classification: Likely benign for NRL-related condition. Last evaluated: 2024-09-10. Review status: no assertion criteria provided. Collection method: clinical testing. Allele origin: germline. Not counted in ClinVar's aggregate classification.
Comment: This variant is classified as likely benign based on ACMG/AMP sequence variant interpretation guidelines (Richards et al. 2015 PMID: 25741868, with internal and published modifications).